The following is an entry in ClinVar:

NM_004260.4(RECQL4):c.2596G>A (p.Gly866Arg)

Gene: RECQL4 (RecQ like helicase 4; minus strand). Cytogenetic location: 8q24.3.
Variant type: single nucleotide variant.
Coding change: c.2596G>A on transcript NM_004260.4 (MANE Select); coding-DNA position 2596, G replaced by A.
Protein change: p.Gly866Arg; replaces glycine 866 with arginine.
Molecular consequence: missense variant.
Genome position (GRCh38, 1-based): chr8:144,513,006, C>T on the plus strand (G>A on the coding strand, the complement: RECQL4 is on the minus strand). VCF-style: chr8-144513006-C-T. GRCh37 (hg19) VCF-style: chr8-145738389-C-T.
Other names: short protein forms G866R.
Identifiers: ClinVar variation 459417 (VCV000459417.8), dbSNP rs778081949, ClinGen allele CA4948175.

ClinVar aggregate classification (germline): Uncertain significance (1 of 4 stars; one submission).

Conditions:
Baller-Gerold syndrome (BGS). Also called: CRANIOSYNOSTOSIS WITH RADIAL DEFECTS. Identifiers: Orphanet 1225, MedGen C0265308, MONDO:0009039, OMIM 218600.

Allele frequency attached by ClinVar (database versions not stated): gnomAD exomes 0.00002; gnomAD 0.00003; TOPMed 0.00005; ExAC 0.00007.
gnomAD v4.1: 10 of 1,570,524 alleles (0.00064%); highest among the groups gnomAD compares: Admixed American, 0.0094%; no homozygotes.

Submission:

Labcorp Genetics (formerly Invitae), Labcorp
Classification: Uncertain significance for Baller-Gerold syndrome. Last evaluated: 2025-11-14. Review status: criteria provided, single submitter. Criteria: Invitae Variant Classification Sherloc (09022015). Collection method: clinical testing. Allele origin: germline.
Comment: This sequence change replaces glycine, which is neutral and non-polar, with arginine, which is basic and polar, at codon 866 of the RECQL4 protein (p.Gly866Arg). This variant is present in population databases (rs778081949, gnomAD 0.004%). This variant has not been reported in the literature in individuals affected with RECQL4-related conditions. ClinVar contains an entry for this variant (Variation ID: 459417). Experimental studies and prediction algorithms are not available or were not evaluated, and the functional significance of this variant is currently unknown. In summary, the available evidence is currently insufficient to determine the role of this variant in disease. Therefore, it has been classified as a Variant of Uncertain Significance.